The following is an entry in ClinVar:

Conditions:
Long QT syndrome 5 (LQT5). Identifiers: Orphanet 101016, Orphanet 768, MedGen C1867904, MONDO:0013372, OMIM 613695.

Submission:

Roden Lab, Vanderbilt University Medical Center
No classification provided (evidence only). Condition: Long QT syndrome 5. Review status: no classification provided. Collection method: in vitro. Allele origin: not applicable. Functional consequence: Effect on ion channel function.
ClinVar note: "not provided" was previously submitted as the classification for the variant. However, the classification appeared to be based only on an observation of functional data so it was converted to no classification on 2025-07-30.

NM_000219.6(KCNE1):c.130G>T (p.Ala44Ser)

Gene: KCNE1 (potassium voltage-gated channel subfamily E regulatory subunit 1; minus strand). Cytogenetic location: 21q22.12.
Variant type: single nucleotide variant.
Coding change: c.130G>T on transcript NM_000219.6 (MANE Select); coding-DNA position 130, G replaced by T.
Protein change: p.Ala44Ser; replaces alanine 44 with serine.
Molecular consequence: missense variant.
Genome position (GRCh38, 1-based): chr21:34,449,505, C>A on the plus strand (G>T on the coding strand, the complement: KCNE1 is on the minus strand). VCF-style: chr21-34449505-C-A. GRCh37 (hg19) VCF-style: chr21-35821803-C-A.
Other names: c.130G>T, p.Ala44Ser (NM_001127668.4, NM_001127669.4, NM_001127670.4 and 4 more transcripts); short protein forms A44S.
Identifiers: ClinVar variation 3374125 (VCV003374125.2).
Genomic context (GRCh38, chr21:34,449,505, plus strand): 5'-TCAGCATGATGCCCAGGGTGAAGAAGCCGAAGAATCCCAGTACCATGAGGACGTAGAGGG[C>A]CTCCAGCTTGCCGTCACTGCTGCGGGGGGACCTGCGGGCCAGGCCCGACATGTTGCCACC-3'
Protein context (NP_000210.2, residues 34-54): SPRSSDGKLE[Ala44Ser]LYVLMVLGFF